The following is an entry in ClinVar:

ClinVar aggregate classification (germline): Uncertain significance (1 of 4 stars; one submission).

Conditions:
Juvenile polyposis syndrome (JPS). Identifiers: Orphanet 2929, MedGen C0345893, MONDO:0017380, OMIM 174900.

Submission:

Genetics and Molecular Pathology, SA Pathology
Classification: Uncertain significance for Juvenile polyposis syndrome. Last evaluated: 2023-03-29. Review status: criteria provided, single submitter. Criteria: ACMG Guidelines, 2015. Collection method: clinical testing. Allele origin: germline. Inheritance: Autosomal dominant inheritance. Affected: yes.
Comment: The BMPR1A c.176T>C variant is classified as VUS (PM2, PP3) The BMPR1A c.176T>C variant is a single nucleotide change in exon 4/13 of the BMPR1A gene, which is predicted to change the amino acid leucine at position 59 in the protein to serine. This variant is absent from population databases (PM2). Absent from gnomAD Computational predictions support a deleterious effect on the gene or gene product ( REVEL 0.856. ) (PP3). The variant has not been reported in the HGMD database or ClinVar.: It has not been reported in dbSNP.

NM_004329.3(BMPR1A):c.176T>C (p.Leu59Ser)

Gene: BMPR1A (bone morphogenetic protein receptor type 1A; plus strand). Cytogenetic location: 10q23.2.
Variant type: single nucleotide variant.
Coding change: c.176T>C on transcript NM_004329.3 (MANE Select); coding-DNA position 176, T replaced by C.
Protein change: p.Leu59Ser; replaces leucine 59 with serine.
Molecular consequence: missense variant. On other transcripts: non-coding transcript variant (3).
Genome position (GRCh38, 1-based): chr10:86,890,170, T>C. VCF-style: chr10-86890170-T-C. GRCh37 (hg19) VCF-style: chr10-88649927-T-C.
Other names: c.176T>C, p.Leu59Ser (NM_001406559.1, NM_001406560.1, NM_001406561.1 and 23 more transcripts); c.92T>C, p.Leu31Ser (NM_001406584.1, NM_001406585.1, NM_001406586.1 and 2 more transcripts); short protein forms L31S, L59S.
Identifiers: ClinVar variation 2664694 (VCV002664694.1), dbSNP rs1564714834, ClinGen allele CA377446914.